The following is an entry in ClinVar:

NM_001399.5(EDA):c.673_706+2del

Gene: EDA (ectodysplasin A; plus strand). Cytogenetic location: Xq13.1.
Variant type: Deletion.
Coding change: c.673_706+2del on transcript NM_001399.5 (MANE Select); coding-DNA position 673 through the canonical splice donor site of the intron after coding-DNA position 706, 36 bases deleted.
Molecular consequence: splice donor variant.
Genome position (GRCh38, 1-based): chrX:70,028,003-70,028,038, 36 bases deleted; deleting any 36 consecutive bases within chrX:70,027,998-70,028,038 gives the same sequence; the c. name uses the placement nearest the transcript's 3' end. GRCh37 (hg19): chrX:69,247,853-69,247,888.
Other names: c.673_706+2del (NM_001005609.2, NM_001005612.3).
Identifiers: ClinVar variation 847256 (VCV000847256.7), dbSNP rs2020140911, ClinGen allele CA916083963.
Genomic context (GRCh38, chrX:70,027,997, plus strand): 5'-CCAGGGATTCCTGGAATTCCAGGAACAACTGTTATGGGACCACCTGGTCCTCCAGGTCCT[CCTGGTCCTCAAGGACCCCCTGGCCTCCAGGGACCTT>C]CTGGTGAGTTCCCCTGTCTCTCCACCCCACCAGGTGCCTTTAAAGTACTTTAGGAGAGCA-3'

ClinVar aggregate classification (germline): Pathogenic (1 of 4 stars; one submission).

Conditions:
Hypohidrotic X-linked ectodermal dysplasia (XHED). Also called: ECTODERMAL DYSPLASIA, HYPOHIDROTIC, 1; CST SYNDROME; Anhidrotic ectodermal dysplasia X-linked; Christ Siemens Touraine syndrome; Christ-Siemans-Touraine syndrome; ECTODERMAL DYSPLASIA 1. Identifiers: Orphanet 181, Orphanet 238468, MedGen C0162359, MONDO:0010585, OMIM 305100.

Submission:

Labcorp Genetics (formerly Invitae), Labcorp
Classification: Pathogenic for Hypohidrotic X-linked ectodermal dysplasia. Last evaluated: 2019-04-09. Review status: criteria provided, single submitter. Criteria: Invitae Variant Classification Sherloc (09022015). Collection method: clinical testing. Allele origin: germline.
Comment: This variant is a deletion of the genomic region encompassing part of exon 4 (c.673_706+2del) of the EDA gene. It is expected to disrupt RNA splicing and likely results in an absent or disrupted protein product. This variant is not present in population databases (ExAC no frequency). This variant has not been reported in the literature in individuals with EDA-related conditions. This variant disrupts the c.706+1G nucleotide in the EDA gene. Other variant(s) that disrupt this nucleotide have been determined to be pathogenic (PMID: 18821982, Invitae). This suggests that this nucleotide is clinically-significant, and that variants that disrupt this position are likely to be disease-causing. Loss-of-function variants in EDA are known to be pathogenic (PMID: 9683615). For these reasons, this variant has been classified as Pathogenic.

Literature cited by the submitters: PubMed 18821982; PubMed 9683615.